The following is an entry in ClinVar:

ClinVar aggregate classification (germline): Uncertain significance (1 of 4 stars; one submission).

Conditions:
Malignant hyperthermia, susceptibility to, 5 (MHS5). Also called: CACNA1S-Related Malignant Hyperthermia Susceptibility. Identifiers: Orphanet 423, MedGen C1866077, MONDO:0011163, OMIM 601887.

gnomAD v4.1: 3 of 1,614,200 alleles (0.00019%); highest among the groups gnomAD compares: Non-Finnish European, 0.00017%; no homozygotes.

Submission:

All of Us Research Program, National Institutes of Health
Classification: Uncertain significance for Malignant hyperthermia, susceptibility to, 5. Last evaluated: 2024-05-17. Review status: criteria provided, single submitter. Criteria: ACMG Guidelines, 2015. Collection method: clinical testing. Allele origin: germline. Inheritance: Autosomal dominant inheritance. Observed: 1 variant allele, 1 heterozygote.
Comment: This study involves interpretation of variants in research participants for the purpose of population health screening. Participant phenotype was not available at the time of variant classification. Additional details can be found in publication PMID: 35346344, PMCID: PMC8962531

NM_000069.3(CACNA1S):c.1369C>G (p.Pro457Ala)

Gene: CACNA1S (calcium voltage-gated channel subunit alpha1 S; minus strand). Cytogenetic location: 1q32.1.
Variant type: single nucleotide variant.
Coding change: c.1369C>G on transcript NM_000069.3 (MANE Select); coding-DNA position 1369, C replaced by G.
Protein change: p.Pro457Ala; replaces proline 457 with alanine.
Molecular consequence: missense variant.
Genome position (GRCh38, 1-based): chr1:201,083,186, G>C on the plus strand (C>G on the coding strand, the complement: CACNA1S is on the minus strand). VCF-style: chr1-201083186-G-C. GRCh37 (hg19) VCF-style: chr1-201052314-G-C.
Other names: short protein forms P457A.
Identifiers: ClinVar variation 3386383 (VCV003386383.1).